The following is an entry in ClinVar:

ClinVar aggregate classification (germline): Uncertain significance (1 of 4 stars; one submission).

Conditions:
Familial thoracic aortic aneurysm and aortic dissection (TAAD). Also called: Thoracic aortic aneurysms and dissections. Identifiers: Orphanet 91387, MedGen C4707243, MONDO:0019625.

gnomAD v4.1: 2 of 1,611,574 alleles (0.00012%); highest among the groups gnomAD compares: Non-Finnish European, 0.00017%; no homozygotes.

Submission:

Ambry Genetics
Classification: Uncertain significance for Familial thoracic aortic aneurysm and aortic dissection. Last evaluated: 2024-04-26. Review status: criteria provided, single submitter. Criteria: Ambry Variant Classification Scheme 2023. Collection method: clinical testing. Allele origin: germline.
Comment: The p.F1411L variant (also known as c.4231T>C), located in coding exon 25 of the NOTCH1 gene, results from a T to C substitution at nucleotide position 4231. The phenylalanine at codon 1411 is replaced by leucine, an amino acid with highly similar properties. This amino acid position is conserved. In addition, this alteration is predicted to be tolerated by in silico analysis. Based on the available evidence, the clinical significance of this variant remains unclear.

NM_017617.5(NOTCH1):c.4231T>C (p.Phe1411Leu)

Gene: NOTCH1 (notch receptor 1; minus strand). Cytogenetic location: 9q34.3.
Variant type: single nucleotide variant.
Coding change: c.4231T>C on transcript NM_017617.5 (MANE Select); coding-DNA position 4231, T replaced by C.
Protein change: p.Phe1411Leu; replaces phenylalanine 1411 with leucine.
Molecular consequence: missense variant.
Genome position (GRCh38, 1-based): chr9:136,505,665, A>G on the plus strand (T>C on the coding strand, the complement: NOTCH1 is on the minus strand). VCF-style: chr9-136505665-A-G. GRCh37 (hg19) VCF-style: chr9-139400117-A-G.
Other names: short protein forms F1411L.
Identifiers: ClinVar variation 3300458 (VCV003300458.1).